The following is an entry in ClinVar:

ClinVar aggregate classification (germline): Conflicting classifications of pathogenicity. Review status: criteria provided, conflicting classifications (1 of 4 stars). 5 submissions from 4 submitters: Uncertain significance (4); Likely benign (1). Last evaluated 2026-06-03.

Conditions:
Hereditary cancer-predisposing syndrome. Also called: Neoplastic Syndromes, Hereditary; Hereditary neoplastic syndrome; Tumor predisposition; Hereditary Cancer Syndrome. Identifiers: Orphanet 140162, MedGen C0027672, MeSH D009386, MONDO:0015356.
Cardiovascular phenotype. Identifiers: MedGen CN230736.
Neurofibromatosis, type 1 (NF1). Also called: VON RECKLINGHAUSEN DISEASE; NEUROFIBROMATOSIS, TYPE I, SOMATIC; Peripheral type neurofibromatosis; Neurofibromatosis, type I. Identifiers: Orphanet 636, MedGen C0027831, MONDO:0018975, OMIM 162200. Disease mechanism: loss of function.

Allele frequency attached by ClinVar (database versions not stated): gnomAD exomes below 0.00001.
gnomAD v4.1: 5 of 1,613,910 alleles (0.00031%); highest among the groups gnomAD compares: Non-Finnish European, 0.00034%; no homozygotes.

Submissions (5):

GeneDx
Classification: Uncertain significance. Last evaluated: 2026-06-03. Review status: criteria provided, single submitter. Criteria: GeneDx Variant Classification Process June 2021. Collection method: clinical testing. Allele origin: germline.
Comment: Not observed at significant frequency in large population cohorts (gnomAD); In silico analysis supports that this missense variant has a deleterious effect on protein structure/function; This variant is associated with the following publications: (PMID: 30287823, 36243179, 34449562)

Labcorp Genetics (formerly Invitae), Labcorp
Classification: Likely benign for Neurofibromatosis, type 1. Last evaluated: 2025-11-11. Review status: criteria provided, single submitter. Criteria: Invitae Variant Classification Sherloc (09022015). Collection method: clinical testing. Allele origin: germline.

Genome-Nilou Lab
Classification: Uncertain significance for Neurofibromatosis, type 1. Last evaluated: 2022-03-15. Review status: criteria provided, single submitter. Criteria: ACMG Guidelines, 2015. Collection method: clinical testing. Allele origin: germline. Affected: no.

Ambry Genetics
Classification: Uncertain significance for Cardiovascular phenotype; Hereditary cancer-predisposing syndrome. Last evaluated: 2020-09-01. Review status: criteria provided, single submitter. Criteria: Ambry Variant Classification Scheme 2023. Collection method: clinical testing. Allele origin: germline.

Ambry Genetics
Classification: Uncertain significance for Hereditary cancer-predisposing syndrome. Last evaluated: 2015-09-11. Review status: criteria provided, single submitter. Criteria: Ambry Autosomal Dominant and X-Linked criteria (10/2015). Collection method: clinical testing. Allele origin: germline. Observed: 1 variant allele.
Comment: The p.D2219E variant (also known as c.6657T>G), located in coding exon 44 of the NF1 gene, results from a T to G substitution at nucleotide position 6657. The aspartic acid at codon 2219 is replaced by glutamic acid, an amino acid with highly similar properties. This variant was not reported in population based cohorts in the following databases: Database of Single Nucleotide Polymorphisms (dbSNP), NHLBI Exome Sequencing Project (ESP), and 1000 Genomes Project. In the ESP, this variant was not observed in 6502 samples (13004 alleles) with coverage at this position. To date, this alteration has been detected with an allele frequency of approximately 0.004% (greater than 55000 alleles tested) in our clinical cohort. This amino acid position is highly conserved in available vertebrate species. In addition, the in silico prediction for this alteration is inconclusive. Since supporting evidence is limited at this time, the clinical significance of p.D2219E remains unclear.

NM_001042492.3(NF1):c.6657T>G (p.Asp2219Glu)

Gene: NF1 (neurofibromin 1; plus strand). Cytogenetic location: 17q11.2.
Variant type: single nucleotide variant.
Coding change: c.6657T>G on transcript NM_001042492.3 (MANE Select); coding-DNA position 6657, T replaced by G.
Protein change: p.Asp2219Glu; replaces aspartic acid 2219 with glutamic acid.
Molecular consequence: missense variant.
Genome position (GRCh38, 1-based): chr17:31,337,833, T>G. VCF-style: chr17-31337833-T-G. GRCh37 (hg19) VCF-style: chr17-29664851-T-G.
Other names: c.6594T>G, p.Asp2198Glu (NM_000267.4); short protein forms D2198E, D2219E.
Identifiers: ClinVar variation 187569 (VCV000187569.13), dbSNP rs786203831, ClinGen allele CA197980.
Genomic context (GRCh38, chr17:31,337,833, plus strand): 5'-AAAAACATTTATGTACAATATGTATTCAGAGTATCCCCTTTTTTAGGCATGCATGAGAGA[T>G]ATTCCAACGTGCAAGTGGCTGGACCAGTGGACAGAACTAGCTCAAAGGTATGTCCTAAAT-3'
Protein context (NP_001035957.1, residues 2209-2229): LLEIMEACMR[Asp2219Glu]IPTCKWLDQW